The following is an entry in ClinVar:

ClinVar aggregate classification (germline): Benign/Likely benign. Review status: criteria provided, multiple submitters, no conflicts (2 of 4 stars). 5 submissions from 5 submitters: Benign (2); Likely benign (2). 1 of the submissions does not count toward it. Last evaluated 2026-01-12.

Conditions:
Inborn genetic diseases. Identifiers: MedGen C0950123, MeSH D030342.
HUWE1-related disorder. Also called: HUWE1-related condition.

Allele frequency attached by ClinVar (database versions not stated): TOPMed 0.00007; gnomAD 0.00009 and 0.00012; gnomAD exomes 0.00011 and 0.00017; ESP Exome Variant Server 0.00019; 1000 Genomes Project 30x 0.00021; ExAC 0.00023; 1000 Genomes Project 0.00026.
gnomAD v4.1: 132 of 1,210,584 alleles (0.011%); highest among the groups gnomAD compares: South Asian, 0.12%; no homozygotes.

Submissions (5):

Labcorp Genetics (formerly Invitae), Labcorp
Classification: Benign. Last evaluated: 2026-01-12. Review status: criteria provided, single submitter. Criteria: Invitae Variant Classification Sherloc (09022015). Collection method: clinical testing. Allele origin: germline.

CeGaT Center for Human Genetics Tuebingen
Classification: Likely benign. Last evaluated: 2023-01-01. Review status: criteria provided, single submitter. Criteria: CeGaT Center For Human Genetics Tuebingen Variant Classification Criteria Version 2. Collection method: clinical testing. Allele origin: germline. Affected: yes. Observed: 1 variant allele.
Comment: HUWE1: PP2, BS2

GeneDx
Classification: Benign. Last evaluated: 2020-09-01. Review status: criteria provided, single submitter. Criteria: GeneDx Variant Classification Process June 2021. Collection method: clinical testing. Allele origin: germline. Affected: yes.

Ambry Genetics
Classification: Likely benign for Inborn genetic diseases. Last evaluated: 2017-11-13. Review status: criteria provided, single submitter. Criteria: Ambry Variant Classification Scheme 2023. Collection method: clinical testing. Allele origin: germline.

PreventionGenetics, part of Exact Sciences
Classification: Likely benign for HUWE1-related condition. Last evaluated: 2019-04-05. Review status: no assertion criteria provided. Collection method: clinical testing. Allele origin: germline. Not counted in ClinVar's aggregate classification.
Comment: This variant is classified as likely benign based on ACMG/AMP sequence variant interpretation guidelines (Richards et al. 2015 PMID: 25741868, with internal and published modifications).

NM_031407.7(HUWE1):c.9797A>G (p.Asn3266Ser)

Gene: HUWE1 (HECT, UBA and WWE domain containing E3 ubiquitin protein ligase 1; minus strand). Cytogenetic location: Xp11.22.
Variant type: single nucleotide variant.
Coding change: c.9797A>G on transcript NM_031407.7 (MANE Select); coding-DNA position 9797, A replaced by G.
Protein change: p.Asn3266Ser; replaces asparagine 3266 with serine.
Molecular consequence: missense variant.
Genome position (GRCh38, 1-based): chrX:53,549,197, T>C on the plus strand (A>G on the coding strand, the complement: HUWE1 is on the minus strand). VCF-style: chrX-53549197-T-C. GRCh37 (hg19) VCF-style: chrX-53576158-T-C.
Other names: c.9797A>G (NM_031407.6); short protein forms N3266S.
Identifiers: ClinVar variation 589445 (VCV000589445.37), dbSNP rs201752906, ClinGen allele CA10421620.